The following is an entry in ClinVar:

NM_000179.3(MSH6):c.3651A>C (p.Arg1217Ser)

Gene: MSH6 (mutS homolog 6; plus strand). Cytogenetic location: 2p16.3.
Variant type: single nucleotide variant.
Coding change: c.3651A>C on transcript NM_000179.3 (MANE Select); coding-DNA position 3651, A replaced by C.
Protein change: p.Arg1217Ser; replaces arginine 1217 with serine.
Molecular consequence: missense variant.
Genome position (GRCh38, 1-based): chr2:47,806,208, A>C. VCF-style: chr2-47806208-A-C. GRCh37 (hg19) VCF-style: chr2-48033347-A-C.
Other names: c.3261A>C, p.Arg1087Ser (NM_001281492.2); c.2745A>C, p.Arg915Ser (NM_001281493.2, NM_001281494.2); short protein forms R1217S, R915S, R1087S.
Identifiers: ClinVar variation 1501725 (VCV001501725.10), dbSNP rs1553332966, ClinGen allele CA346760817.
Genomic context (GRCh38, chr2:47,806,208, plus strand): 5'-CCTTTTTTGTTTTAATTCCTTTGAGTTACTTCCTTATGCATATTTTACTTTAACAGGAAG[A>C]GGTACTGCAACATTTGATGGGACGGCAATAGCAAATGCAGTTGTTAAAGAACTTGCTGAG-3'
Protein context (NP_000170.1, residues 1207-1227): HSLVLVDELG[Arg1217Ser]GTATFDGTAI

ClinVar aggregate classification (germline): Uncertain significance. Review status: criteria provided, multiple submitters, no conflicts (2 of 4 stars). 2 submissions from 2 submitters: Uncertain significance (2). Last evaluated 2022-09-01.

Conditions:
Hereditary nonpolyposis colorectal neoplasms. Identifiers: MedGen C0009405, MeSH D003123.
Hereditary cancer-predisposing syndrome. Also called: Hereditary neoplastic syndrome; Tumor predisposition; Neoplastic Syndromes, Hereditary; Hereditary Cancer Syndrome. Identifiers: Orphanet 140162, MedGen C0027672, MeSH D009386, MONDO:0015356.

Submissions (2):

Ambry Genetics
Classification: Uncertain significance for Hereditary cancer-predisposing syndrome. Last evaluated: 2022-09-01. Review status: criteria provided, single submitter. Criteria: Ambry Variant Classification Scheme 2023. Collection method: clinical testing. Allele origin: germline.
Comment: The p.R1217S variant (also known as c.3651A>C), located in coding exon 8 of the MSH6 gene, results from an A to C substitution at nucleotide position 3651. The arginine at codon 1217 is replaced by serine, an amino acid with dissimilar properties. This amino acid position is conserved. In addition, this alteration is predicted to be deleterious by in silico analysis. Since supporting evidence is limited at this time, the clinical significance of this alteration remains unclear.

Labcorp Genetics (formerly Invitae), Labcorp
Classification: Uncertain significance for Hereditary nonpolyposis colorectal neoplasms. Last evaluated: 2021-01-11. Review status: criteria provided, single submitter. Criteria: Invitae Variant Classification Sherloc (09022015). Collection method: clinical testing. Allele origin: germline.
Comment: This variant has not been reported in the literature in individuals with MSH6-related conditions. In summary, the available evidence is currently insufficient to determine the role of this variant in disease. Therefore, it has been classified as a Variant of Uncertain Significance. Advanced modeling of protein sequence and biophysical properties (such as structural, functional, and spatial information, amino acid conservation, physicochemical variation, residue mobility, and thermodynamic stability) performed at Invitae indicates that this missense variant is expected to disrupt MSH6 protein function. This variant is not present in population databases (ExAC no frequency). This sequence change replaces arginine with serine at codon 1217 of the MSH6 protein (p.Arg1217Ser). The arginine residue is highly conserved and there is a moderate physicochemical difference between arginine and serine.